The following is an entry in ClinVar:

ClinVar aggregate classification (germline): Uncertain significance (1 of 4 stars; one submission).

Allele frequency attached by ClinVar (database versions not stated): TOPMed below 0.00001; ExAC 0.00001; gnomAD 0.00001.
gnomAD v4.1: 9 of 1,612,936 alleles (0.00056%); highest among the groups gnomAD compares: Non-Finnish European, 0.00068%; no homozygotes.

Submission:

Labcorp Genetics (formerly Invitae), Labcorp
Classification: Uncertain significance. Last evaluated: 2023-11-19. Review status: criteria provided, single submitter. Criteria: Invitae Variant Classification Sherloc (09022015). Collection method: clinical testing. Allele origin: germline.
Comment: This sequence change replaces valine, which is neutral and non-polar, with phenylalanine, which is neutral and non-polar, at codon 4343 of the HMCN1 protein (p.Val4343Phe). This variant is present in population databases (rs766695779, gnomAD 0.0009%). This variant has not been reported in the literature in individuals affected with HMCN1-related conditions. An algorithm developed to predict the effect of missense changes on protein structure and function (PolyPhen-2) suggests that this variant is likely to be disruptive. In summary, the available evidence is currently insufficient to determine the role of this variant in disease. Therefore, it has been classified as a Variant of Uncertain Significance.

NM_031935.3(HMCN1):c.13027G>T (p.Val4343Phe)

Gene: HMCN1 (hemicentin 1; plus strand). Cytogenetic location: 1q31.1.
Variant type: single nucleotide variant.
Coding change: c.13027G>T on transcript NM_031935.3 (MANE Select); coding-DNA position 13027, G replaced by T.
Protein change: p.Val4343Phe; replaces valine 4343 with phenylalanine.
Molecular consequence: missense variant.
Genome position (GRCh38, 1-based): chr1:186,130,088, G>T. VCF-style: chr1-186130088-G-T. GRCh37 (hg19) VCF-style: chr1-186099220-G-T.
Other names: short protein forms V4343F.
Identifiers: ClinVar variation 2692918 (VCV002692918.3), dbSNP rs766695779, ClinGen allele CA1294521.